The following is an entry in ClinVar:

NM_001276270.2(MBD4):c.1342C>T (p.His448Tyr)

Gene: MBD4 (methyl-CpG binding domain 4, DNA glycosylase; minus strand). Cytogenetic location: 3q21.3.
Variant type: single nucleotide variant.
Coding change: c.1342C>T on transcript NM_001276270.2 (MANE Select); coding-DNA position 1342, C replaced by T.
Protein change: p.His448Tyr; replaces histidine 448 with tyrosine.
Molecular consequence: missense variant.
Genome position (GRCh38, 1-based): chr3:129,433,901, G>A on the plus strand (C>T on the coding strand, the complement: MBD4 is on the minus strand). VCF-style: chr3-129433901-G-A. GRCh37 (hg19) VCF-style: chr3-129152744-G-A.
Other names: c.1360C>T, p.His454Tyr (NM_001276271.2, NM_001276272.2, NM_003925.3); c.406C>T, p.His136Tyr (NM_001276273.2); short protein forms H448Y, H136Y, H454Y.
Identifiers: ClinVar variation 5024028 (VCV005024028.1).

ClinVar aggregate classification (germline): Uncertain significance (1 of 4 stars; one submission).

Conditions:
Inborn genetic diseases. Identifiers: MedGen C0950123, MeSH D030342.

Submission:

Ambry Genetics
Classification: Uncertain significance for Inborn genetic diseases. Last evaluated: 2026-07-27. Review status: criteria provided, single submitter. Criteria: Ambry Variant Classification Scheme 2023. Collection method: clinical testing. Allele origin: germline.
Comment: The p.H448Y variant (also known as c.1342C>T), located in coding exon 5 of the MBD4 gene, results from a C to T substitution at nucleotide position 1342. The histidine at codon 448 is replaced by tyrosine, an amino acid with similar properties. This amino acid position is conserved. In addition, this alteration is predicted to be deleterious by in silico analysis. Based on the available evidence, the clinical significance of this variant remains unclear.